The following is an entry in ClinVar:

ClinVar aggregate classification (germline): Benign/Likely benign. Review status: criteria provided, multiple submitters, no conflicts (2 of 4 stars). 2 submissions from 2 submitters: Benign (1); Likely benign (1). Last evaluated 2025-02-16.

Conditions:
MELAS syndrome (MELAS). Also called: Juvenile myopathy, encephalopathy, lactic acidosis, stroke. Identifiers: Orphanet 550, MedGen C0162671, MONDO:0010789, OMIM 540000.

Submissions (2):

Laboratory of Genetics, Children's Clinical University Hospital Latvia
Classification: Likely benign. Last evaluated: 2025-02-16. Review status: criteria provided, single submitter. Criteria: ACMG Guidelines, 2015. Collection method: clinical testing. Allele origin: germline. Affected: yes.

Wong Mito Lab, Molecular and Human Genetics, Baylor College of Medicine
Classification: Benign for MELAS syndrome. Last evaluated: 2019-07-12. Review status: criteria provided, single submitter. Criteria: Modified ACMG Guidelines (Unpublished). Collection method: clinical testing. Allele origin: germline.
Comment: The NC_012920.1:m.10007T>C variant in MT-TG gene is interpreted to be a Benign variant based on the modified ACMG guidelines (unpublished). This variant meets the following evidence codes reported in the guidelines: BS1, BS4, BP4

Literature cited by the submitters: PubMed 31965079 (cited by Wong Mito Lab, Molecular and Human Genetics, Baylor College of Medicine).

NC_012920.1(MT-TG):m.10007T>C

Gene: MT-TG (mitochondrially encoded tRNA glycine; plus strand).
Variant type: single nucleotide variant.
Genome position: chrM-10007-T-C.
Identifiers: ClinVar variation 690095 (VCV000690095.2), dbSNP rs201906571, ClinGen allele CA337098660.